The following is an entry in ClinVar:

NM_000179.3(MSH6):c.4002-54_4004del

Gene: MSH6 (mutS homolog 6; plus strand). Cytogenetic location: 2p16.3.
Variant type: Deletion.
Coding change: c.4002-54_4004del on transcript NM_000179.3 (MANE Select); 54 bases into the intron before coding-DNA position 4002 through coding-DNA position 4004, 57 bases deleted.
Molecular consequence: splice acceptor variant.
Genome position (GRCh38, 1-based): chr2:47,806,725-47,806,781, 57 bases deleted. GRCh37 (hg19): chr2:48,033,864-48,033,920.
Other names: c.3096-54_3098del (NM_001281493.2, NM_001281494.2); c.3612-54_3614del (NM_001281492.2).
Identifiers: ClinVar variation 1488277 (VCV001488277.8), dbSNP rs2104572568, ClinGen allele CA2573134802.

ClinVar aggregate classification (germline): Uncertain significance (1 of 4 stars; one submission).

Conditions:
Hereditary nonpolyposis colorectal neoplasms. Identifiers: MedGen C0009405, MeSH D003123.

Submission:

Labcorp Genetics (formerly Invitae), Labcorp
Classification: Uncertain significance for Hereditary nonpolyposis colorectal neoplasms. Last evaluated: 2025-02-18. Review status: criteria provided, single submitter. Criteria: Invitae Variant Classification Sherloc (09022015). Collection method: clinical testing. Allele origin: germline.
Comment: This variant results in the deletion of part of exon 10 (c.4002-54_4004del) of the MSH6 gene. While this variant is not anticipated to result in nonsense mediated decay, it likely alters RNA splicing and results in a disrupted protein product. This variant is not present in population databases (gnomAD no frequency). This variant has not been reported in the literature in individuals affected with MSH6-related conditions. ClinVar contains an entry for this variant (Variation ID: 1488277). Variants that disrupt the consensus splice site are a relatively common cause of aberrant splicing (PMID: 17576681, 9536098). RNA analysis performed to evaluate the impact of this variant on mRNA splicing indicates it does not significantly alter splicing (internal data). In summary, the available evidence is currently insufficient to determine the role of this variant in disease. Therefore, it has been classified as a Variant of Uncertain Significance.

Literature cited by the submitters: PubMed 17576681; PubMed 9536098.